The following is an entry in ClinVar:

ClinVar aggregate classification (germline): Uncertain significance (1 of 4 stars; one submission).

Conditions:
Arterial tortuosity syndrome (ATORS). Identifiers: Orphanet 3342, MedGen C1859726, MONDO:0008818, OMIM 208050.

Submission:

Labcorp Genetics (formerly Invitae), Labcorp
Classification: Uncertain significance for Arterial tortuosity syndrome. Last evaluated: 2020-02-02. Review status: criteria provided, single submitter. Criteria: Invitae Variant Classification Sherloc (09022015). Collection method: clinical testing. Allele origin: germline.
Comment: This sequence change replaces alanine with valine at codon 385 of the SLC2A10 protein (p.Ala385Val). The alanine residue is weakly conserved and there is a small physicochemical difference between alanine and valine. In summary, the available evidence is currently insufficient to determine the role of this variant in disease. Therefore, it has been classified as a Variant of Uncertain Significance. Algorithms developed to predict the effect of missense changes on protein structure and function output the following: SIFT: "Tolerated"; PolyPhen-2: "Benign"; Align-GVGD: "Class C0". The valine amino acid residue is found in multiple mammalian species, suggesting that this missense change does not adversely affect protein function. These predictions have not been confirmed by published functional studies and their clinical significance is uncertain. This variant has been observed in individual(s) with thoracic aortic aneurysm or dissection (PMID: 28855619). This variant is not present in population databases (ExAC no frequency).

Literature cited by the submitters: PubMed 28855619.

NM_030777.4(SLC2A10):c.1154C>T (p.Ala385Val)

Gene: SLC2A10 (solute carrier family 2 member 10; plus strand). Cytogenetic location: 20q13.12.
Variant type: single nucleotide variant.
Coding change: c.1154C>T on transcript NM_030777.4 (MANE Select); coding-DNA position 1154, C replaced by T.
Protein change: p.Ala385Val; replaces alanine 385 with valine.
Molecular consequence: missense variant.
Genome position (GRCh38, 1-based): chr20:46,726,190, C>T. VCF-style: chr20-46726190-C-T. GRCh37 (hg19) VCF-style: chr20-45354829-C-T.
Other names: short protein forms A385V.
Identifiers: ClinVar variation 1018903 (VCV001018903.8), dbSNP rs79849424, ClinGen allele CA409269465.